The following is an entry in ClinVar:

NM_000321.3(RB1):c.2520+1G>T

Gene: RB1 (RB transcriptional corepressor 1; plus strand). Cytogenetic location: 13q14.2.
Variant type: single nucleotide variant.
Coding change: c.2520+1G>T on transcript NM_000321.3 (MANE Select); the canonical splice donor site of the intron after coding-DNA position 2520, G replaced by T.
Molecular consequence: splice donor variant.
Genome position (GRCh38, 1-based): chr13:48,473,391, G>T. VCF-style: chr13-48473391-G-T. GRCh37 (hg19) VCF-style: chr13-49047527-G-T.
Other names: c.2520+1G>T (NM_001407165.1).
Identifiers: ClinVar variation 428660 (VCV000428660.12), dbSNP rs587778850, ClinGen allele CA388168168.

ClinVar aggregate classification (germline): Pathogenic. Review status: criteria provided, multiple submitters, no conflicts (2 of 4 stars). 3 submissions from 3 submitters: Pathogenic (3). Last evaluated 2023-10-16.

Conditions:
Hereditary cancer-predisposing syndrome. Also called: Hereditary Cancer Syndrome; Tumor predisposition; Hereditary neoplastic syndrome; Neoplastic Syndromes, Hereditary. Identifiers: Orphanet 140162, MedGen C0027672, MeSH D009386, MONDO:0015356.
Retinoblastoma (RB1). Also called: RETINOBLASTOMA, SOMATIC. Identifiers: Orphanet 790, MedGen C0035335, MeSH D012175, MONDO:0008380, OMIM 180200, HP:0009919. Disease mechanism: loss of function. Inheritance: Both sporadic and heritable forms are tested..

Submissions (3):

Labcorp Genetics (formerly Invitae), Labcorp
Classification: Pathogenic for Retinoblastoma. Last evaluated: 2023-10-16. Review status: criteria provided, single submitter. Criteria: Invitae Variant Classification Sherloc (09022015). Collection method: clinical testing. Allele origin: germline.
Comment: This sequence change affects a donor splice site in intron 24 of the RB1 gene. It is expected to disrupt RNA splicing. Variants that disrupt the donor or acceptor splice site typically lead to a loss of protein function (PMID: 16199547), and loss-of-function variants in RB1 are known to be pathogenic (PMID: 17096365). This variant is not present in population databases (gnomAD no frequency). Disruption of this splice site has been observed in individual(s) with retinoblastoma (PMID: 16595082). This variant is also known as g.170403G>T. ClinVar contains an entry for this variant (Variation ID: 428660). Algorithms developed to predict the effect of sequence changes on RNA splicing suggest that this variant may disrupt the consensus splice site. This variant disrupts the c.2520+1G nucleotide in the RB1 gene. Other variant(s) that disrupt this nucleotide have been determined to be pathogenic (PMID: 28193182). This suggests that this nucleotide is clinically significant, and that variants that disrupt this position are likely to be disease-causing. For these reasons, this variant has been classified as Pathogenic.

Ambry Genetics
Classification: Pathogenic for Hereditary cancer-predisposing syndrome. Last evaluated: 2011-11-17. Review status: criteria provided, single submitter. Criteria: Ambry Autosomal Dominant and X-Linked criteria (10/2015). Collection method: clinical testing. Allele origin: germline. Observed: 1 variant allele.
Comment: Alterations that disrupt the canonical splice site are expected to cause aberrant splicing, resulting in an abnormal protein or a transcript that is subject to nonsense-mediated mRNA decay. As such, this alteration is classified as a disease-causing mutation.

Juno Genomics, Hangzhou Juno Genomics, Inc
Classification: Pathogenic for Retinoblastoma. Review status: criteria provided, single submitter. Criteria: ACMG Guidelines, 2015. Collection method: clinical testing. Allele origin: germline. Affected: yes.
Comment: Absent from controls (or at extremely low frequency if recessive) in Genome Aggregation Database.;Null variant in a gene where loss of function (LOF) is a known mechanism of disease.;The prevalence of the variant in affected individuals is significantly increased compared to the prevalence in controls.;Assumed de novo, but without confirmation of paternity and maternity.;Patient's phenotype or family history is highly specific for a disease with a single genetic etiology.

Literature cited by the submitters: PubMed 16199547 (cited by Labcorp Genetics (formerly Invitae), Labcorp); PubMed 17096365 (cited by Labcorp Genetics (formerly Invitae), Labcorp); PubMed 16595082 (cited by Labcorp Genetics (formerly Invitae), Labcorp); PubMed 28193182 (cited by Labcorp Genetics (formerly Invitae), Labcorp).